The following is an entry in ClinVar:

ClinVar aggregate classification (germline): Uncertain significance (1 of 4 stars; one submission).

Conditions:
Kilquist syndrome (KILQS). Also called: SLC12A2-related autosomal recessive neonatal-developmental delay-intellectual disability-feeding difficulty-sensorineural deafness syndrome. Identifiers: Orphanet 633021, MedGen C5436756, MONDO:0033664, OMIM 619080.

Submission:

Victorian Clinical Genetics Services, Murdoch Childrens Research Institute
Classification: Uncertain significance for Kilquist syndrome. Last evaluated: 2025-01-23. Review status: criteria provided, single submitter. Criteria: ACMG Guidelines, 2015. Collection method: clinical testing. Allele origin: germline. Affected: yes.
Comment: This variant is classified as VUS-3A. Evidence in support of pathogenic classification: Variant is absent from gnomAD (v2, v3 and v4); Missense variant predicted to be damaging by in silico tool(s) or highly conserved with a major amino acid change. Additional information: Variant is predicted to result in a missense amino acid change from alanine to threonine; This variant is homozygous; This gene is associated with both recessive and dominant disease. Autosomal dominant is the predominant mode of inheritance (PMID: 34226616); This variant has no previous evidence of pathogenicity; No published segregation evidence has been identified for this variant; No published functional evidence has been identified for this variant; No comparable missense variants have previous evidence for pathogenicity; Variant is located in the annotated amino acid permease domain (DECIPHER); Loss of function is a known mechanism of disease in this gene and is associated with Kilquist syndrome (MIM#619080). The mechanism for autosomal dominant deafness 78 (MIM#619081) and Delpire-McNeill syndrome (MIM#619083) is currently unknown; however, dominant negative and loss of function have been suggested (PMID: 30740830, 32754646, 32294086, 34226616, 37399495) - Variants in this gene are known to have variable expressivity (PMID: 32658972).

Literature cited by the submitters: PubMed 32294086; PubMed 32754646; PubMed 30740830; PubMed 37399495; PubMed 34226616; PubMed 32658972.

NM_001046.3(SLC12A2):c.2023G>A (p.Ala675Thr)

Gene: SLC12A2 (solute carrier family 12 member 2; plus strand). Cytogenetic location: 5q23.3.
Variant type: single nucleotide variant.
Coding change: c.2023G>A on transcript NM_001046.3 (MANE Select); coding-DNA position 2023, G replaced by A.
Protein change: p.Ala675Thr; replaces alanine 675 with threonine.
Molecular consequence: missense variant. On other transcripts: non-coding transcript variant (1).
Genome position (GRCh38, 1-based): chr5:128,150,014, G>A. VCF-style: chr5-128150014-G-A. GRCh37 (hg19) VCF-style: chr5-127485706-G-A.
Other names: c.2023G>A, p.Ala675Thr (NM_001256461.2); short protein forms A675T.
Identifiers: ClinVar variation 4531964 (VCV004531964.1).